The following is an entry in ClinVar:

ClinVar aggregate classification (germline): Likely benign (0 of 4 stars; one submission).

Conditions:
TECR-related disorder. Also called: TECR-related condition.

Allele frequency attached by ClinVar (database versions not stated): ExAC 0.00004; gnomAD exomes 0.00012; TOPMed 0.00012; gnomAD 0.00013.
gnomAD v4.1: 190 of 1,587,424 alleles (0.012%); highest among the groups gnomAD compares: Non-Finnish European, 0.015%; no homozygotes.

Submission:

PreventionGenetics, part of Exact Sciences
Classification: Likely benign for TECR-related condition. Last evaluated: 2022-01-26. Review status: no assertion criteria provided. Collection method: clinical testing. Allele origin: germline.
Comment: This variant is classified as likely benign based on ACMG/AMP sequence variant interpretation guidelines (Richards et al. 2015 PMID: 25741868, with internal and published modifications).

NM_138501.6(TECR):c.926G>A (p.Ter309=)

Gene: TECR (trans-2,3-enoyl-CoA reductase; plus strand). Cytogenetic location: 19p13.12.
Variant type: single nucleotide variant.
Coding change: c.926G>A on transcript NM_138501.6 (MANE Select); coding-DNA position 926, G replaced by A.
Protein change: p.Ter309=.
Molecular consequence: synonymous variant.
Genome position (GRCh38, 1-based): chr19:14,565,870, G>A. VCF-style: chr19-14565870-G-A. GRCh37 (hg19) VCF-style: chr19-14676682-G-A.
Other names: c.971G>A, p.Ter324= (NM_001321170.1).
Identifiers: ClinVar variation 3048317 (VCV003048317.2), dbSNP rs563957558, ClinGen allele CA9255359.